The following is an entry in ClinVar:

NM_152722.5(HEPACAM):c.*831G>T

Genes: HEPACAM (hepatic and glial cell adhesion molecule; minus strand), HEPN1 (hepatocellular carcinoma, down-regulated 1; plus strand). Cytogenetic location: 11q24.2.
Variant type: single nucleotide variant.
Coding change: c.*831G>T on transcript NM_152722.5 (MANE Select); 831 bases downstream of the stop codon, G replaced by T.
Molecular consequence: 3 prime UTR variant.
Genome position (GRCh38, 1-based): chr11:124,920,307, C>A on the plus strand (G>T on the coding strand, the complement: HEPACAM is on the minus strand). VCF-style: chr11-124920307-C-A. GRCh37 (hg19) VCF-style: chr11-124790203-C-A.
Identifiers: ClinVar variation 878496 (VCV000878496.4), dbSNP rs115556036, ClinGen allele CA230383398.
Genomic context (GRCh38, chr11:124,920,307, plus strand): 5'-AAGCCAGGAGGAATATATGAGTTTGATGAGCTAAAACAGTTCCTCATTTGGTCTAGTTTT[C>A]GGGCCAGGGGAGTAAGTGAAATTCACTTCTCTATAAGAATAAGCCCATCCATCTCTTTTA-3'

ClinVar aggregate classification (germline): Likely benign (1 of 4 stars; one submission).

Conditions:
Megalencephalic leukoencephalopathy with subcortical cysts. Also called: VAN DER KNAAP DISEASE. Identifiers: Orphanet 2478, MedGen C1858854, MONDO:0011391.

Allele frequency attached by ClinVar (database versions not stated): 1000 Genomes Project 0.00339; 1000 Genomes Project 30x 0.00390; TOPMed 0.00595.
gnomAD v4.1: 1,372 of 1,289,320 alleles (0.11%); highest among the groups gnomAD compares: African/African-American, 1.9%; 13 homozygotes.

Submission:

Illumina Laboratory Services, Illumina
Classification: Likely benign for Megalencephalic leukoencephalopathy with subcortical cysts. Last evaluated: 2018-01-12. Review status: criteria provided, single submitter. Criteria: ICSL Variant Classification Criteria 13 December 2019. Collection method: clinical testing. Allele origin: germline.
Comment: This variant was observed in the ICSL laboratory as part of a predisposition screen in an ostensibly healthy population. It had not been previously curated by ICSL or reported in the Human Gene Mutation Database (HGMD: prior to June 1st, 2018), and was therefore a candidate for classification through an automated scoring system. Utilizing variant allele frequency, disease prevalence and penetrance estimates, and inheritance mode, an automated score was calculated to assess if this variant is too frequent to cause the disease. Based on the score and internal cut-off values, a variant classified as likely benign is not then subjected to further curation. The score for this variant resulted in a classification of likely benign for this disease.